The following is an entry in ClinVar:

ClinVar aggregate classification (germline): Uncertain significance (1 of 4 stars; one submission).

gnomAD v4.1: 3 of 1,594,702 alleles (0.00019%); highest among the groups gnomAD compares: Admixed American, 0.0017%; no homozygotes.

Submission:

Mayo Clinic Laboratories, Mayo Clinic
Classification: Uncertain significance. Last evaluated: 2025-01-08. Review status: criteria provided, single submitter. Criteria: ACMG Guidelines, 2015. Collection method: clinical testing. Allele origin: germline. Observed: 1 variant allele.
Comment: BP4

NM_025137.4(SPG11):c.142C>T (p.Arg48Cys)

Gene: SPG11 (SPG11 vesicle trafficking associated, spatacsin; minus strand). Cytogenetic location: 15q21.1.
Variant type: single nucleotide variant.
Coding change: c.142C>T on transcript NM_025137.4 (MANE Select); coding-DNA position 142, C replaced by T.
Protein change: p.Arg48Cys; replaces arginine 48 with cysteine.
Molecular consequence: missense variant.
Genome position (GRCh38, 1-based): chr15:44,663,506, G>A on the plus strand (C>T on the coding strand, the complement: SPG11 is on the minus strand). VCF-style: chr15-44663506-G-A. GRCh37 (hg19) VCF-style: chr15-44955704-G-A.
Other names: p.Arg48Cys; c.142C>T, p.Arg48Cys (NM_001160227.2, NM_001411132.1); short protein forms R48C.
Identifiers: ClinVar variation 4541939 (VCV004541939.1).